The following is an entry in ClinVar:

NM_001134407.3(GRIN2A):c.*2396G>A

Gene: GRIN2A (glutamate ionotropic receptor NMDA type subunit 2A; minus strand). Cytogenetic location: 16p13.2.
Variant type: single nucleotide variant.
Coding change: c.*2396G>A on transcript NM_001134407.3 (MANE Select); 2396 bases downstream of the stop codon, G replaced by A.
Molecular consequence: 3 prime UTR variant.
Genome position (GRCh38, 1-based): chr16:9,760,753, C>T on the plus strand (G>A on the coding strand, the complement: GRIN2A is on the minus strand). VCF-style: chr16-9760753-C-T. GRCh37 (hg19) VCF-style: chr16-9854610-C-T.
Other names: c.*2396G>A (NM_000833.5); c.*2602G>A (NM_001134408.2).
Identifiers: ClinVar variation 321569 (VCV000321569.5), dbSNP rs113138480, ClinGen allele CA10649438.

ClinVar aggregate classification (germline): Benign (1 of 4 stars; one submission).

Conditions:
Landau-Kleffner syndrome (FESD). Also called: EPILEPSY, FOCAL, WITH SPEECH DISORDER AND WITH OR WITHOUT MENTAL RETARDATION; APHASIA, ACQUIRED, WITH EPILEPSY. Identifiers: Orphanet 1945, Orphanet 725, Orphanet 98818, MedGen C0282512, MONDO:0009509, OMIM 245570.

Allele frequency attached by ClinVar (database versions not stated): gnomAD 0.00569 and 0.00616; 1000 Genomes Project 0.00539; 1000 Genomes Project 30x 0.00578; TOPMed 0.00676.
gnomAD v4.1: 958 of 229,036 alleles (0.42%); highest among the groups gnomAD compares: African/African-American, 2%; 7 homozygotes.

Submission:

Illumina Laboratory Services, Illumina
Classification: Benign for Landau-Kleffner syndrome. Last evaluated: 2018-01-12. Review status: criteria provided, single submitter. Criteria: ICSL Variant Classification Criteria 13 December 2019. Collection method: clinical testing. Allele origin: germline.
Comment: This variant was observed in the ICSL laboratory as part of a predisposition screen in an ostensibly healthy population. It had not been previously curated by ICSL or reported in the Human Gene Mutation Database (HGMD: prior to June 1st, 2018), and was therefore a candidate for classification through an automated scoring system. Utilizing variant allele frequency, disease prevalence and penetrance estimates, and inheritance mode, an automated score was calculated to assess if this variant is too frequent to cause the disease. Based on the score and internal cut-off values, a variant classified as benign is not then subjected to further curation. The score for this variant resulted in a classification of benign for this disease.